The following is an entry in ClinVar:

NM_002693.3(POLG):c.3524A>C (p.Gln1175Pro)

Gene: POLG (DNA polymerase gamma, catalytic subunit; minus strand). Cytogenetic location: 15q26.1.
Variant type: single nucleotide variant.
Coding change: c.3524A>C on transcript NM_002693.3 (MANE Select); coding-DNA position 3524, A replaced by C.
Protein change: p.Gln1175Pro; replaces glutamine 1175 with proline.
Molecular consequence: missense variant.
Genome position (GRCh38, 1-based): chr15:89,317,495, T>G on the plus strand (A>C on the coding strand, the complement: POLG is on the minus strand). VCF-style: chr15-89317495-T-G. GRCh37 (hg19) VCF-style: chr15-89860726-T-G.
Other names: c.3524A>C, p.Gln1175Pro (NM_001126131.2); short protein forms Q1175P.
Identifiers: ClinVar variation 640666 (VCV000640666.11), dbSNP rs188348569, ClinGen allele CA393747889.

ClinVar aggregate classification (germline): Uncertain significance (1 of 4 stars; one submission).

Conditions:
Progressive sclerosing poliodystrophy (MTDPS4A). Also called: Alpers-Huttenlocher Syndrome (AHS); Alpers Syndrome; ALPERS PROGRESSIVE INFANTILE POLIODYSTROPHY; Mitochondrial DNA depletion syndrome 4A (Alpers type); ALPERS DIFFUSE DEGENERATION OF CEREBRAL GRAY MATTER WITH HEPATIC CIRRHOSIS; Alpers-Huttenlocher Syndrome. Identifiers: Orphanet 726, MedGen C0205710, MONDO:0008758, OMIM 203700.

Submission:

Labcorp Genetics (formerly Invitae), Labcorp
Classification: Uncertain significance for Progressive sclerosing poliodystrophy. Last evaluated: 2024-04-15. Review status: criteria provided, single submitter. Criteria: Invitae Variant Classification Sherloc (09022015). Collection method: clinical testing. Allele origin: germline.
Comment: This sequence change replaces glutamine, which is neutral and polar, with proline, which is neutral and non-polar, at codon 1175 of the POLG protein (p.Gln1175Pro). This variant is not present in population databases (gnomAD no frequency). This variant has not been reported in the literature in individuals affected with POLG-related conditions. ClinVar contains an entry for this variant (Variation ID: 640666). Advanced modeling of protein sequence and biophysical properties (such as structural, functional, and spatial information, amino acid conservation, physicochemical variation, residue mobility, and thermodynamic stability) performed at Invitae indicates that this missense variant is expected to disrupt POLG protein function with a positive predictive value of 95%. In summary, the available evidence is currently insufficient to determine the role of this variant in disease. Therefore, it has been classified as a Variant of Uncertain Significance.